The following is an entry in ClinVar:

NM_003919.3(SGCE):c.1011del (p.Ala336_Tyr337insTer)

Genes: CASD1 (CAS1 domain sialic acid O acetyltransferase 1; plus strand), SGCE (sarcoglycan epsilon; minus strand). Cytogenetic location: 7q21.3.
Variant type: Deletion.
Coding change: c.1011del on transcript NM_003919.3 (MANE Select); coding-DNA position 1011, one base deleted (T; older notation c.1011delT).
Protein change: p.Ala336_Tyr337insTer.
Molecular consequence: nonsense.
Genome position (GRCh38, 1-based): chr7:94,600,672, A deleted on the plus strand (T on the coding strand, the reverse complement: SGCE is on the minus strand). VCF-style (leftmost placement, unchanged base first): chr7-94600671-TA-T. GRCh37 (hg19) VCF-style: chr7-94229983-TA-T.
Other names: c.1011del, p.Ala336_Tyr337insTer (NM_001099400.2, NM_001099401.2, NM_001346717.2); c.888del, p.Ala295_Tyr296insTer (NM_001301139.2, NM_001362809.2); c.1119del, p.Ala372_Tyr373insTer (NM_001346713.2, NM_001346715.2); c.924del, p.Ala307_Tyr308insTer (NM_001346719.2, NM_001362807.2); c.738del, p.Ala245_Tyr246insTer (NM_001346720.2, NM_001362808.2).
Identifiers: ClinVar variation 1065199 (VCV001065199.3), dbSNP rs2116693521, ClinGen allele CA2499219073.

ClinVar aggregate classification (germline): Pathogenic (0 of 4 stars; one submission).

Conditions:
Myoclonic dystonia 11 (DYT11). Also called: DYT-SGCE; Myoclonic dystonia; Dystonia 11; Dystonia, alcohol responsive; Hereditary essential myoclonus; SGCE Myoclonus-Dystonia. Identifiers: Orphanet 36899, MedGen C1834570, MONDO:0008044, OMIM 159900.

Submission:

Geriatric Neurology, Shaanxi Provincial People's Hospital
Classification: Pathogenic for Myoclonic dystonia 11. Last evaluated: 2021-04-29. Review status: no assertion criteria provided. Collection method: clinical testing. Allele origin: inherited. Inheritance: Autosomal dominant inheritance. Affected: yes. Observed: 6 variant alleles, 6 heterozygotes. Clinical features observed: Myoclonus (HP:0001336), Dystonic disorder (HP:0001332).
Comment: The SGCE gene mutation has been reported with myoclonic dystonia in different countries. Here we identified a new frameshift mutation (c.1011delA ) of the SGCE gene at the chr7:94229984 causing myoclonic dystonia in Chinese.